The following is an entry in ClinVar:

NM_017662.5(TRPM6):c.5896CAT[1] (p.His1967del)

Gene: TRPM6 (transient receptor potential cation channel subfamily M member 6; minus strand). Cytogenetic location: 9q21.13.
Variant type: Microsatellite.
Coding change: c.5896CAT[1] on transcript NM_017662.5 (MANE Select); one copy of the 3-base unit CAT starting at c.5896; the reference has two copies in a row; one copy, 3 bases deleted; also written c.5899_5901del.
Protein change: p.His1967del; deletes histidine 1967.
Molecular consequence: inframe deletion.
Genome position (GRCh38, 1-based): chr9:74,728,273-74,728,275, ATG deleted on the plus strand (CAT on the coding strand, the reverse complement: TRPM6 is on the minus strand); deleting any 3 consecutive bases within chr9:74,728,273-74,728,278 gives the same sequence; the position shown is the placement nearest the transcript's 3' end. VCF-style (leftmost placement, unchanged base first): chr9-74728272-AATG-A. GRCh37 (hg19) VCF-style: chr9-77343188-AATG-A.
Other names: c.5881CAT[1], p.His1962del (NM_001177310.2, NM_001177311.2); c.5899_5901del (NM_017662.5); short protein forms H1962del, H1967del.
Identifiers: ClinVar variation 4855723 (VCV004855723.1).
Genomic context (GRCh38, chr9:74,728,272, plus strand): 5'-GAGAAAAAAGAACTGTTAGTGGCATACCCGGGAGTTTGAGCTTCCGGCAGCAGGAGTTAC[AATG>A]ATGTTTTGCAATGAAGTTTCTAATTGCATCTTCCCCCAAATTGGCCGGTCCAAACACCAT-3'

ClinVar aggregate classification (germline): Uncertain significance (1 of 4 stars; one submission).

Conditions:
Intestinal hypomagnesemia 1. Also called: HYPOMAGNESEMIA, INTESTINAL, WITH SECONDARY HYPOCALCEMIA; HYPOMAGNESEMIC TETANY. Identifiers: Orphanet 30924, MedGen C1865974, MONDO:0011176, OMIM 602014.

Submission:

3billion
Classification: Uncertain significance for Intestinal hypomagnesemia 1. Last evaluated: 2025-11-28. Review status: criteria provided, single submitter. Criteria: ACMG Guidelines, 2015. Collection method: clinical testing. Allele origin: germline. Affected: yes.
Comment: The variant is not observed in the gnomAD v4.1.0 dataset. Predicted Consequence/Location: Inframe deletion located in a nonrepeat region: predicted to change the length of the protein and disrupt normal protein function. Therefore, this variant is classified as VUS according to the recommendation of ACMG/AMP guideline.